The following is an entry in ClinVar:

NM_020738.4(KIDINS220):c.3699T>C (p.Tyr1233=)

Gene: KIDINS220 (kinase D interacting substrate 220; minus strand). Cytogenetic location: 2p25.1.
Variant type: single nucleotide variant.
Coding change: c.3699T>C on transcript NM_020738.4 (MANE Select); coding-DNA position 3699, T replaced by C.
Protein change: p.Tyr1233=; no amino-acid change (tyrosine 1233 retained).
Molecular consequence: synonymous variant. On other transcripts: non-coding transcript variant (2).
Genome position (GRCh38, 1-based): chr2:8,736,886, A>G on the plus strand (T>C on the coding strand, the complement: KIDINS220 is on the minus strand). VCF-style: chr2-8736886-A-G. GRCh37 (hg19) VCF-style: chr2-8877016-A-G.
Other names: c.3702T>C, p.Tyr1234= (NM_001348729.2); c.3645T>C, p.Tyr1215= (NM_001348731.2); c.3642T>C, p.Tyr1214= (NM_001348732.2, NM_001348738.2); c.3531T>C, p.Tyr1177= (NM_001348734.2, NM_001348739.2, NM_001348740.2); c.3528T>C, p.Tyr1176= (NM_001348735.2, NM_001348741.2, NM_001348742.2 and 1 more transcripts); c.3402T>C, p.Tyr1134= (NM_001348736.2).
Identifiers: ClinVar variation 3350780 (VCV003350780.1).

ClinVar aggregate classification (germline): Likely benign (0 of 4 stars; one submission).

Conditions:
KIDINS220-related disorder. Also called: KIDINS220-related condition.

gnomAD v4.1: 8 of 1,614,042 alleles (0.0005%); highest among the groups gnomAD compares: Non-Finnish European, 0.00068%; no homozygotes.

Submission:

PreventionGenetics, part of Exact Sciences
Classification: Likely benign for KIDINS220-related condition. Last evaluated: 2021-09-28. Review status: no assertion criteria provided. Collection method: clinical testing. Allele origin: germline.
Comment: This variant is classified as likely benign based on ACMG/AMP sequence variant interpretation guidelines (Richards et al. 2015 PMID: 25741868, with internal and published modifications).